The following is an entry in ClinVar:

NM_001098426.2(SMARCD2):c.1586G>A (p.Arg529His)

Gene: SMARCD2 (SWI/SNF related BAF chromatin remodeling complex subunit D2; minus strand). Cytogenetic location: 17q23.3.
Variant type: single nucleotide variant.
Coding change: c.1586G>A on transcript NM_001098426.2 (MANE Select); coding-DNA position 1586, G replaced by A.
Protein change: p.Arg529His; replaces arginine 529 with histidine.
Molecular consequence: missense variant.
Genome position (GRCh38, 1-based): chr17:63,832,948, C>T on the plus strand (G>A on the coding strand, the complement: SMARCD2 is on the minus strand). VCF-style: chr17-63832948-C-T. GRCh37 (hg19) VCF-style: chr17-61910308-C-T.
Other names: c.1361G>A, p.Arg454His (NM_001330439.1); c.1442G>A, p.Arg481His (NM_001330440.2); short protein forms R481H, R454H, R529H.
Identifiers: ClinVar variation 1448786 (VCV001448786.6), dbSNP rs191015799, ClinGen allele CA292952078.

ClinVar aggregate classification (germline): Uncertain significance (1 of 4 stars; one submission).

Allele frequency attached by ClinVar (database versions not stated): gnomAD 0.00001; TOPMed 0.00001; gnomAD exomes 0.00002; 1000 Genomes Project 30x 0.00016; 1000 Genomes Project 0.00020.
gnomAD v4.1: 33 of 1,568,896 alleles (0.0021%); highest among the groups gnomAD compares: Admixed American, 0.0037%; no homozygotes.

Submission:

Labcorp Genetics (formerly Invitae), Labcorp
Classification: Uncertain significance. Last evaluated: 2023-12-07. Review status: criteria provided, single submitter. Criteria: Invitae Variant Classification Sherloc (09022015). Collection method: clinical testing. Allele origin: germline.
Comment: This sequence change replaces arginine, which is basic and polar, with histidine, which is basic and polar, at codon 529 of the SMARCD2 protein (p.Arg529His). The frequency data for this variant in the population databases is considered unreliable, as metrics indicate poor data quality at this position in the gnomAD database. This variant has not been reported in the literature in individuals affected with SMARCD2-related conditions. ClinVar contains an entry for this variant (Variation ID: 1448786). An algorithm developed to predict the effect of missense changes on protein structure and function (PolyPhen-2) suggests that this variant¬†is likely to be tolerated. In summary, the available evidence is currently insufficient to determine the role of this variant in disease. Therefore, it has been classified as a Variant of Uncertain Significance.